The following is an entry in ClinVar:

ClinVar aggregate classification (germline): Uncertain significance (1 of 4 stars; one submission).

Conditions:
Neuronal ceroid lipofuscinosis. Also called: Neuronal Ceroid Lipofuscinoses. Identifiers: Orphanet 216, Orphanet 79263, MedGen C0027877, MONDO:0016295. Disease mechanism: loss of function.

Allele frequency attached by ClinVar (database versions not stated): TOPMed below 0.00001.
gnomAD v4.1: 1 of 1,614,114 alleles (0.000062%); highest among the groups gnomAD compares: Non-Finnish European, 0.000085%; no homozygotes.

Submission:

Labcorp Genetics (formerly Invitae), Labcorp
Classification: Uncertain significance for Neuronal ceroid lipofuscinosis. Last evaluated: 2022-02-05. Review status: criteria provided, single submitter. Criteria: Invitae Variant Classification Sherloc (09022015). Collection method: clinical testing. Allele origin: germline.
Comment: This variant is not present in population databases (gnomAD no frequency). This sequence change replaces asparagine, which is neutral and polar, with lysine, which is basic and polar, at codon 47 of the DNAJC5 protein (p.Asn47Lys). This variant has not been reported in the literature in individuals affected with DNAJC5-related conditions. In summary, the available evidence is currently insufficient to determine the role of this variant in disease. Therefore, it has been classified as a Variant of Uncertain Significance. Algorithms developed to predict the effect of missense changes on protein structure and function are either unavailable or do not agree on the potential impact of this missense change (SIFT: "Deleterious"; PolyPhen-2: "Probably Damaging"; Align-GVGD: "Class C0"). ClinVar contains an entry for this variant (Variation ID: 1017049).

NM_025219.3(DNAJC5):c.141C>A (p.Asn47Lys)

Gene: DNAJC5 (DnaJ heat shock protein family (Hsp40) member C5; plus strand). Cytogenetic location: 20q13.33.
Variant type: single nucleotide variant.
Coding change: c.141C>A on transcript NM_025219.3 (MANE Select); coding-DNA position 141, C replaced by A.
Protein change: p.Asn47Lys; replaces asparagine 47 with lysine.
Molecular consequence: missense variant.
Genome position (GRCh38, 1-based): chr20:63,929,345, C>A. VCF-style: chr20-63929345-C-A. GRCh37 (hg19) VCF-style: chr20-62560698-C-A.
Other names: short protein forms N47K.
Identifiers: ClinVar variation 1017049 (VCV001017049.8), dbSNP rs1600885575, ClinGen allele CA409715978.